The following is an entry in ClinVar:

NM_001754.5(RUNX1):c.103A>G (p.Ser35Gly)

Gene: RUNX1 (RUNX family transcription factor 1; minus strand). Cytogenetic location: 21q22.12.
Variant type: single nucleotide variant.
Coding change: c.103A>G on transcript NM_001754.5 (MANE Select); coding-DNA position 103, A replaced by G.
Protein change: p.Ser35Gly; replaces serine 35 with glycine.
Molecular consequence: missense variant.
Genome position (GRCh38, 1-based): chr21:34,887,091, T>C on the plus strand (A>G on the coding strand, the complement: RUNX1 is on the minus strand). VCF-style: chr21-34887091-T-C. GRCh37 (hg19) VCF-style: chr21-36259388-T-C.
Other names: c.22A>G, p.Ser8Gly (NM_001001890.3, NM_001122607.2); short protein forms S35G, S8G.
Identifiers: ClinVar variation 4863637 (VCV004863637.1).

ClinVar aggregate classification (germline): Uncertain significance (1 of 4 stars; one submission).

Conditions:
Inborn genetic diseases. Identifiers: MedGen C0950123, MeSH D030342.

gnomAD v4.1: 3 of 1,598,168 alleles (0.00019%); highest among the groups gnomAD compares: Non-Finnish European, 0.00025%; no homozygotes.

Submission:

Ambry Genetics
Classification: Uncertain significance for Inborn genetic diseases. Last evaluated: 2026-03-19. Review status: criteria provided, single submitter. Criteria: Ambry Variant Classification Scheme 2023. Collection method: clinical testing. Allele origin: germline.
Comment: The p.S35G variant (also known as c.103A>G), located in coding exon 3 of the RUNX1 gene, results from an A to G substitution at nucleotide position 103. The serine at codon 35 is replaced by glycine, an amino acid with similar properties. This amino acid position is well conserved in available vertebrate species. In addition, the in silico prediction for this alteration is inconclusive. Based on the available evidence, the clinical significance of this variant remains unclear.